The following is an entry in ClinVar:

NM_014641.3(MDC1):c.3732C>G (p.Val1244=)

Genes: MDC1 (mediator of DNA damage checkpoint 1; minus strand), MDC1-AS1 (MDC1 antisense RNA 1; plus strand). Cytogenetic location: 6p21.33.
Variant type: single nucleotide variant.
Coding change: c.3732C>G on transcript NM_014641.3 (MANE Select); coding-DNA position 3732, C replaced by G.
Protein change: p.Val1244=; no amino-acid change (valine 1244 retained).
Molecular consequence: synonymous variant.
Genome position (GRCh38, 1-based): chr6:30,705,451, G>C on the plus strand (C>G on the coding strand, the complement: MDC1 is on the minus strand). VCF-style: chr6-30705451-G-C. GRCh37 (hg19) VCF-style: chr6-30673228-G-C.
Identifiers: ClinVar variation 4823876 (VCV004823876.4).

ClinVar aggregate classification (germline): Likely benign (1 of 4 stars; one submission).

Submission:

CeGaT Center for Human Genetics Tuebingen
Classification: Likely benign. Last evaluated: 2026-02-01. Review status: criteria provided, single submitter. Criteria: CeGaT Center For Human Genetics Tuebingen Variant Classification Criteria Version 2. Collection method: clinical testing. Allele origin: germline. Affected: yes. Observed: 1 variant allele.
Comment: MDC1: BP4, BP7